The following is an entry in ClinVar:

ClinVar aggregate classification (germline): Pathogenic. Review status: reviewed by expert panel (3 of 4 stars). 3 submissions from 3 submitters: Pathogenic (1). 2 of the submissions do not count toward it. Last evaluated 2016-09-08.

Conditions:
Hereditary cancer-predisposing syndrome. Also called: Tumor predisposition; Hereditary Cancer Syndrome; Hereditary neoplastic syndrome; Neoplastic Syndromes, Hereditary. Identifiers: Orphanet 140162, MedGen C0027672, MeSH D009386, MONDO:0015356.
Breast-ovarian cancer, familial, susceptibility to, 2 (BROVCA2). Also called: BRCA2 Hereditary Breast and Ovarian Cancer. Identifiers: Orphanet 145, MedGen C2675520, MONDO:0012933, OMIM 612555. Disease mechanism: loss of function.

Submissions (3):

Evidence-based Network for the Interpretation of Germline Mutant Alleles (ENIGMA)
Classification: Pathogenic for Breast-ovarian cancer, familial, susceptibility to, 2. Last evaluated: 2016-09-08. Review status: reviewed by expert panel. Criteria: ENIGMA BRCA1/2 Classification Criteria (2015). Collection method: curation. Allele origin: germline.
Comment: Variant allele predicted to encode a truncated non-functional protein.

Ambry Genetics
Classification: Pathogenic for Hereditary cancer-predisposing syndrome. Last evaluated: 2021-04-11. Review status: criteria provided, single submitter. Criteria: Ambry Variant Classification Scheme 2023. Collection method: clinical testing. Allele origin: germline. Not counted in ClinVar's aggregate classification.
Comment: The c.5390delC pathogenic mutation, located in coding exon 10 of the BRCA2 gene, results from a deletion of one nucleotide at nucleotide position 5390, causing a translational frameshift with a predicted alternate stop codon (p.A1797Efs*8). This alteration is expected to result in loss of function by premature protein truncation or nonsense-mediated mRNA decay. As such, this alteration is interpreted as a disease-causing mutation.

Institute of Human Genetics, Medical University Innsbruck
Classification: Pathogenic for Breast-ovarian cancer, familial 2. Last evaluated: 2015-02-11. Review status: no assertion criteria provided. Criteria: clinical testing. Collection method: clinical testing. Allele origin: germline. Affected: yes. Study: BRCA-Tyrol. Not counted in ClinVar's aggregate classification.
Comment: BRCA-mutation spectrum Western Austria

NM_000059.4(BRCA2):c.5390del (p.Ala1797fs)

Gene: BRCA2 (BRCA2 DNA repair associated; plus strand). Cytogenetic location: 13q13.1.
Variant type: Deletion.
Coding change: c.5390del on transcript NM_000059.4 (MANE Select); coding-DNA position 5390, one base deleted (C; older notation c.5390delC).
Protein change: p.Ala1797fs; shifts the reading frame from alanine 1797.
Molecular consequence: frameshift variant.
Genome position (GRCh38, 1-based): chr13:32,339,745, C deleted. VCF-style (leftmost placement, unchanged base first): chr13-32339744-GC-G. GRCh37 (hg19) VCF-style: chr13-32913881-GC-G.
Other names: c.5390delC (NM_000059.3); short protein forms A1797fs.
Identifiers: ClinVar variation 183184 (VCV000183184.5), dbSNP rs730882168, ClinGen allele CA022210.
Genomic context (GRCh38, chr13:32,339,744, plus strand): 5'-AAGAATGTTGAAGATCAAAAAAACACTAGTTTTTCCAAAGTAATATCCAATGTAAAAGAT[GC>G]AAATGCATACCCACAAACTGTAAATGAAGATATTTGCGTTGAGGAACTTGTGACTAGCTC-3'